The following is an entry in ClinVar:

NM_001102564.3(IFT43):c.296-5656C>A

Gene: IFT43 (intraflagellar transport 43; plus strand). Cytogenetic location: 14q24.3.
Variant type: single nucleotide variant.
Coding change: c.296-5656C>A on transcript NM_001102564.3 (MANE Select); 5656 bases into the intron before coding-DNA position 296, C replaced by A.
Molecular consequence: intron variant. On other transcripts: nonsense (1).
Genome position (GRCh38, 1-based): chr14:76,076,639, C>A. VCF-style: chr14-76076639-C-A. GRCh37 (hg19) VCF-style: chr14-76542982-C-A.
Other names: c.258C>A, p.Cys86Ter (NM_052873.3); short protein forms C86*.
Identifiers: ClinVar variation 3611403 (VCV003611403.2).

ClinVar aggregate classification (germline): Pathogenic (1 of 4 stars; one submission).

gnomAD v4.1: 3 of 1,614,044 alleles (0.00019%); highest among the groups gnomAD compares: African/African-American, 0.0013%; no homozygotes.

Submission:

Labcorp Genetics (formerly Invitae), Labcorp
Classification: Pathogenic. Last evaluated: 2024-12-24. Review status: criteria provided, single submitter. Criteria: Invitae Variant Classification Sherloc (09022015). Collection method: clinical testing. Allele origin: germline.
Comment: This sequence change creates a premature translational stop signal (p.Cys86*) in the IFT43 gene. It is expected to result in an absent or disrupted protein product. Loss-of-function variants in IFT43 are known to be pathogenic (PMID: 21378380, 28400947). This variant is present in population databases (rs373332752, gnomAD 0.004%). This variant has not been reported in the literature in individuals affected with IFT43-related conditions. For these reasons, this variant has been classified as Pathogenic.

Literature cited by the submitters: PubMed 21378380; PubMed 28400947.